The following is an entry in ClinVar:

ClinVar aggregate classification (germline): Uncertain significance (1 of 4 stars; one submission).

Allele frequency attached by ClinVar (database versions not stated): gnomAD exomes below 0.00001.

Submission:

Labcorp Genetics (formerly Invitae), Labcorp
Classification: Uncertain significance. Last evaluated: 2022-02-02. Review status: criteria provided, single submitter. Criteria: Invitae Variant Classification Sherloc (09022015). Collection method: clinical testing. Allele origin: germline.
Comment: This sequence change replaces glycine, which is neutral and non-polar, with glutamic acid, which is acidic and polar, at codon 149 of the REEP6 protein (p.Gly149Glu). This variant is not present in population databases (gnomAD no frequency). This variant has not been reported in the literature in individuals affected with REEP6-related conditions. ClinVar contains an entry for this variant (Variation ID: 1002290). Experimental studies and prediction algorithms are not available or were not evaluated, and the functional significance of this variant is currently unknown. In summary, the available evidence is currently insufficient to determine the role of this variant in disease. Therefore, it has been classified as a Variant of Uncertain Significance.

NM_138393.4(REEP6):c.446G>A (p.Gly149Glu)

Gene: REEP6 (receptor accessory protein 6; plus strand). Cytogenetic location: 19p13.3.
Variant type: single nucleotide variant.
Coding change: c.446G>A on transcript NM_138393.4 (MANE Select); coding-DNA position 446, G replaced by A.
Protein change: p.Gly149Glu; replaces glycine 149 with glutamic acid.
Molecular consequence: missense variant.
Genome position (GRCh38, 1-based): chr19:1,496,382, G>A. VCF-style: chr19-1496382-G-A. GRCh37 (hg19) VCF-style: chr19-1496381-G-A.
Other names: c.446G>A, p.Gly149Glu (NM_001329556.3); short protein forms G149E.
Identifiers: ClinVar variation 1002290 (VCV001002290.4), dbSNP rs2085006690, ClinGen allele CA402993856.
Genomic context (GRCh38, chr19:1,496,382, plus strand): 5'-GGAACGGGGCTCTCATGCTGTATCAGCGCGTCGTGCGTCCGCTGTTCCTAAGGCACCACG[G>A]GGCCGTAGACAGAATCATGAACGACCTCAGCGGGCGAGCCCTGGACGCGGCGGCCGGAAT-3'
Protein context (NP_612402.1, residues 139-159): VVRPLFLRHH[Gly149Glu]AVDRIMNDLS